The following is an entry in ClinVar:

ClinVar aggregate classification (germline): Pathogenic/Likely pathogenic. Review status: criteria provided, multiple submitters, no conflicts (2 of 4 stars). 9 submissions from 9 submitters: Pathogenic (1); Likely pathogenic (6). 2 of the submissions do not count toward it. Last evaluated 2026-05-27.

Conditions:
Hereditary cancer-predisposing syndrome. Also called: Hereditary Cancer Syndrome; Tumor predisposition; Neoplastic Syndromes, Hereditary; Hereditary neoplastic syndrome. Identifiers: Orphanet 140162, MedGen C0027672, MeSH D009386, MONDO:0015356.
Familial cancer of breast. Also called: hereditary breast carcinoma; BREAST CANCER, FAMILIAL; Hereditary breast cancer. Identifiers: Orphanet 227535, MedGen C0346153, MONDO:0016419, OMIM 114480. Disease mechanism: loss of function.
Ataxia-telangiectasia syndrome (AT). Also called: ATAXIA-TELANGIECTASIA, COMPLEMENTATION GROUP A; ATAXIA-TELANGIECTASIA, FRESNO VARIANT; Ataxia-telangiectasia; Ataxia-telangiectasia, complementation group E; Cerebello-oculocutaneous telangiectasia; Immunodeficiency with ataxia telangiectasia. Identifiers: Orphanet 100, MedGen C0004135, MONDO:0008840, OMIM 208900.
Breast cancer, early-onset. Identifiers: MedGen C4016951.

Submissions (9):

Myriad Genetics, Inc.
Classification: Likely pathogenic for Familial cancer of breast. Last evaluated: 2026-05-27. Review status: criteria provided, single submitter. Criteria: Myriad Autosomal Dominant, Autosomal Recessive and X-Linked Classification Criteria (2023). Collection method: clinical testing. Allele origin: unknown.
Comment: This variant is considered likely pathogenic. This variant has been reported in multiple individuals with clinical features of gene-specific disease [PMID: 39521281; external communications 2026]. Functional studies indicate this variant impacts protein function [PMID: 40105422, 40580951]. This variant is expected to disrupt protein structure [Myriad internal data].

Department of Clinical Genetics, Copenhagen University Hospital, Rigshospitalet
Classification: Likely pathogenic for Familial cancer of breast; Ataxia-telangiectasia syndrome. Last evaluated: 2026-02-03. Review status: criteria provided, single submitter. Criteria: ACMG Guidelines, 2015. Collection method: clinical testing. Allele origin: germline.
Comment: The following ACMG criteria has been used: PM2_SUP (not reported in gnomAD v.4.1); PP3 (Revel score > 0.7333); PM3_Strong (identified in at least two AT patients (ClinVar accession: SCV000276312.8); PS3_SUP (PMID:40105422; PMID: 40580951)

Labcorp Genetics (formerly Invitae), Labcorp
Classification: Likely pathogenic for Ataxia-telangiectasia syndrome. Last evaluated: 2026-01-20. Review status: criteria provided, single submitter. Criteria: Invitae Variant Classification Sherloc (09022015). Collection method: clinical testing. Allele origin: germline.
Comment: This sequence change replaces threonine, which is neutral and polar, with isoleucine, which is neutral and non-polar, at codon 2911 of the ATM protein (p.Thr2911Ile). This variant is not present in population databases (gnomAD no frequency). This missense change has been observed in individual(s) with clinical features of ATM-related conditions (PMID: 28888541, 29922827; external communication, internal data). In at least one individual the data is consistent with being in trans (on the opposite chromosome) from a pathogenic variant. ClinVar contains an entry for this variant (Variation ID: 199662). Invitae Evidence Modeling of protein sequence and biophysical properties (such as structural, functional, and spatial information, amino acid conservation, physicochemical variation, residue mobility, and thermodynamic stability) has been performed for this missense variant. However, the output from this modeling did not meet the statistical confidence thresholds required to predict the impact of this variant on ATM protein function. This variant disrupts the p.Thr2911 amino acid residue in ATM. Other variant(s) that disrupt this residue have been observed in individuals with ATM-related conditions (PMID: 35201558, 38917355), which suggests that this may be a clinically significant amino acid residue. In summary, the currently available evidence indicates that the variant is pathogenic, but additional data are needed to prove that conclusively. Therefore, this variant has been classified as Likely Pathogenic.

Center for Genomic Medicine, Rigshospitalet, Copenhagen University Hospital
Classification: Likely pathogenic. Last evaluated: 2025-12-29. Review status: criteria provided, single submitter. Criteria: ACMG Guidelines, 2015. Collection method: clinical testing. Allele origin: germline.

Ambry Genetics
Classification: Pathogenic for Hereditary cancer-predisposing syndrome. Last evaluated: 2025-10-21. Review status: criteria provided, single submitter. Criteria: Ambry Variant Classification Scheme 2023. Collection method: clinical testing. Allele origin: germline.
Comment: The p.T2911I pathogenic mutation (also known as c.8732C>T), located in coding exon 59 of the ATM gene, results from a C to T substitution at nucleotide position 8732. The threonine at codon 2911 is replaced by isoleucine, an amino acid with similar properties. This alteration has been detected in conjunction with other pathogenic ATM mutations in individuals meeting diagnostic criteria for ataxia telangiectasia (Ambry internal data). This amino acid position is not well conserved in available vertebrate species. In addition, the in silico prediction for this alteration is inconclusive. This variant is considered to be rare based on population cohorts in the Genome Aggregation Database (gnomAD). Based on the supporting evidence, this alteration is interpreted as a disease-causing mutation.

Natera, Inc.
Classification: Likely pathogenic for Ataxia-telangiectasia. Last evaluated: 2025-09-08. Review status: criteria provided, single submitter. Criteria: Natera Variant Classification Schema (03/2026). Collection method: clinical testing. Allele origin: germline.
Comment: The c.8732C>T variant in ATM is a missense variant predicted to cause substitution of threonine to isoleucine at amino acid 2911. This variant is rare in the general population with a frequency below the threshold expected for the associated phenotype(s). This variant has been observed in one or more individuals affected with the associated recessive disease, as either homozygous or compound heterozygous with a second variant (PMID: 39521281). This variant has been identified in one or more affected individuals with a phenotype highly consistent with the associated gene (PMID: 39521281). Computational prediction algorithms indicate this variant is likely to affect gene or protein function. Given the available evidence, this variant is classified as Likely Pathogenic.

Color Diagnostics, LLC DBA Color Health
Classification: Likely pathogenic for Hereditary cancer-predisposing syndrome. Last evaluated: 2024-01-22. Review status: criteria provided, single submitter. Criteria: ACMG Guidelines, 2015. Collection method: clinical testing. Allele origin: germline.
Comment: This missense variant replaces threonine with isoleucine at codon 2911 of the ATM protein. Computational prediction suggests that this variant may have deleterious impact on protein structure and function (internally defined REVEL score threshold >= 0.7, PMID: 27666373). To our knowledge, functional studies have not been reported for this variant. This variant has been reported with co-occurring pathogenic variants in two individuals affected with ataxia-telangiectasia (communication with an external laboratory; ClinVar SCV000276312.5). In one of these individuals, the second pathogenic was confirmed to be in trans. In a case-control study, this variant was reported in 1/3030 individuals affected with pancreatic cancer and absent in control populations (PMID: 29922827). This variant has not been identified in the general population by the Genome Aggregation Database (gnomAD). Based on the available evidence, this variant is classified as Likely Pathogenic.

GeneDx
Classification: Uncertain significance. Last evaluated: 2015-01-30. Review status: flagged submission. Criteria: GeneDx Variant Classification (06012015). Collection method: clinical testing. Allele origin: germline. Affected: yes. Not counted in ClinVar's aggregate classification.
Comment: This variant is denoted ATM c.8732C>T at the cDNA level, p.Thr2911Ile (T2911I) at the protein level, and results in the change of a Threonine to an Isoleucine (ACC>ATC). This variant has not, to our knowledge, been published in the literature as pathogenic or benign. ATM Thr2911Ile was not observed in approximately 6,500 individuals of European and African American ancestry in the NHLBI Exome Sequencing Project, indicating it is not a common benign variant in these populations. Since Threonine and Isoleucine differ in polarity, charge, size or other properties, this is considered a non-conservative amino acid substitution. ATM Thr2911Ile occurs at a position that is moderately conserved across species and is located in PI3K/PI4K domain and the p53 interaction domain (UniProt, Tavtigian 2009). In silico analyses predict that this variant is probably damaging to protein structure and function. Based on the currently available information, it is unclear whether ATM Thr2911Ile is pathogenic or benign. We consider it to be a variant of uncertain significance.
ClinVar note: Reason: Older and outlier claim with insufficient supporting evidence

Mayo Clinic Health System - Franciscan Health care, Mayo Clinic Health System
Classification: Uncertain significance for Breast cancer, early-onset. Last evaluated: 2014-10-09. Review status: flagged submission. Collection method: clinical testing. Allele origin: germline. Affected: yes. Not counted in ClinVar's aggregate classification.
ClinVar note: Reason: Older and outlier claim with insufficient supporting evidence

Literature cited by the submitters: PubMed 39521281 (cited by Myriad Genetics, Inc. and Natera, Inc.); PubMed 40105422 (cited by 3 submitters); PubMed 40580951 (cited by 3 submitters); PubMed 28888541 (cited by Labcorp Genetics (formerly Invitae), Labcorp and Center for Genomic Medicine, Rigshospitalet, Copenhagen University Hospital); PubMed 29922827 (cited by 4 submitters); PubMed 35201558 (cited by Labcorp Genetics (formerly Invitae), Labcorp); PubMed 38917355 (cited by Labcorp Genetics (formerly Invitae), Labcorp); PubMed 18066086 (cited by Ambry Genetics).

NM_000051.4(ATM):c.8732C>T (p.Thr2911Ile)

Genes: ATM (ATM serine/threonine kinase; plus strand), C11orf65 (chromosome 11 open reading frame 65; minus strand). Cytogenetic location: 11q22.3.
Variant type: single nucleotide variant.
Coding change: c.8732C>T on transcript NM_000051.4 (MANE Select); coding-DNA position 8732, C replaced by T.
Protein change: p.Thr2911Ile; replaces threonine 2911 with isoleucine.
Molecular consequence: missense variant. On other transcripts: intron variant (2).
Genome position (GRCh38, 1-based): chr11:108,353,826, C>T. VCF-style: chr11-108353826-C-T. GRCh37 (hg19) VCF-style: chr11-108224553-C-T.
Other names: c.8732C>T, p.Thr2911Ile (NM_001351834.2); c.640+32094G>A (NM_001330368.2); c.695-18534G>A (NM_001351110.2); short protein forms T2911I.
Identifiers: ClinVar variation 199662 (VCV000199662.24), dbSNP rs794728018, ClinGen allele CA203836.
Genomic context (GRCh38, chr11:108,353,826, plus strand): 5'-GTGTTGCTTTTGAACAGGGCAAAATCCTTCCTACTCCTGAGACAGTTCCTTTTAGACTCA[C>T]CAGAGATATTGTGGATGGCATGGGCATTACGGGTGTTGAAGGTGTCTTCAGAAGGTAAGT-3'
Protein context (NP_000042.3, residues 2901-2921): PTPETVPFRL[Thr2911Ile]RDIVDGMGIT